The following is an entry in ClinVar:

NM_001271938.2(MEGF8):c.7475C>T (p.Thr2492Met)

Gene: MEGF8 (multiple EGF like domains 8; plus strand). Cytogenetic location: 19q13.2.
Variant type: single nucleotide variant.
Coding change: c.7475C>T on transcript NM_001271938.2 (MANE Select); coding-DNA position 7475, C replaced by T.
Protein change: p.Thr2492Met; replaces threonine 2492 with methionine.
Molecular consequence: missense variant.
Genome position (GRCh38, 1-based): chr19:42,375,712, C>T. VCF-style: chr19-42375712-C-T. GRCh37 (hg19) VCF-style: chr19-42879864-C-T.
Other names: c.7274C>T (NM_001410.2); c.7274C>T, p.Thr2425Met (NM_001410.3); short protein forms T2425M, T2492M.
Identifiers: ClinVar variation 2190640 (VCV002190640.8), dbSNP rs745598545, ClinGen allele CA9476183.

ClinVar aggregate classification (germline): Uncertain significance. Review status: criteria provided, multiple submitters, no conflicts (2 of 4 stars). 3 submissions from 3 submitters: Uncertain significance (3). Last evaluated 2025-11-19.

Conditions:
MEGF8-related Carpenter syndrome. Also called: Carpenter syndrome 2. Identifiers: Orphanet 65759, MedGen C3554247, MONDO:0013998, OMIM 614976.
Inborn genetic diseases. Identifiers: MedGen C0950123, MeSH D030342.

Allele frequency attached by ClinVar (database versions not stated): gnomAD 0.00004; gnomAD exomes 0.00005; TOPMed 0.00006; ExAC 0.00007.
gnomAD v4.1: 74 of 1,611,472 alleles (0.0046%); highest among the groups gnomAD compares: South Asian, 0.0066%; no homozygotes.

Submissions (3):

Ambry Genetics
Classification: Uncertain significance for Inborn genetic diseases. Last evaluated: 2025-11-19. Review status: criteria provided, single submitter. Criteria: Ambry Variant Classification Scheme 2023. Collection method: clinical testing. Allele origin: germline.

Labcorp Genetics (formerly Invitae), Labcorp
Classification: Uncertain significance for MEGF8-related Carpenter syndrome. Last evaluated: 2025-10-04. Review status: criteria provided, single submitter. Criteria: Invitae Variant Classification Sherloc (09022015). Collection method: clinical testing. Allele origin: germline.
Comment: This sequence change replaces threonine, which is neutral and polar, with methionine, which is neutral and non-polar, at codon 2425 of the MEGF8 protein (p.Thr2425Met). This variant is present in population databases (rs745598545, gnomAD 0.008%). This variant has not been reported in the literature in individuals affected with MEGF8-related conditions. ClinVar contains an entry for this variant (Variation ID: 2190640). An algorithm developed to predict the effect of missense changes on protein structure and function (PolyPhen-2) suggests that this variant is likely to be tolerated. In summary, the available evidence is currently insufficient to determine the role of this variant in disease. Therefore, it has been classified as a Variant of Uncertain Significance.

GeneDx
Classification: Uncertain significance. Last evaluated: 2024-10-03. Review status: criteria provided, single submitter. Criteria: GeneDx Variant Classification Process June 2021. Collection method: clinical testing. Allele origin: germline. Affected: yes.
Comment: In silico analysis indicates that this missense variant does not alter protein structure/function; Has not been previously published as pathogenic or benign to our knowledge